The following is an entry in ClinVar:

NM_022765.4(MICAL1):c.2468_2469del (p.Pro823fs)

Gene: MICAL1 (microtubule associated monooxygenase, calponin and LIM domain containing 1; minus strand). Cytogenetic location: 6q21.
Variant type: Deletion.
Coding change: c.2468_2469del on transcript NM_022765.4 (MANE Select); coding-DNA positions 2468 to 2469, 2 bases deleted (CT; older notation c.2468_2469delCT).
Protein change: p.Pro823fs; shifts the reading frame from proline 823.
Molecular consequence: frameshift variant.
Genome position (GRCh38, 1-based): chr6:109,446,248-109,446,249, AG deleted on the plus strand (CT on the coding strand, the reverse complement: MICAL1 is on the minus strand). VCF-style (leftmost placement, unchanged base first): chr6-109446247-CAG-C. GRCh37 (hg19) VCF-style: chr6-109767450-CAG-C.
Other names: c.2210_2211del, p.Pro737fs (NM_001159291.2); c.2525_2526del, p.Pro842fs (NM_001286613.2); short protein forms P737fs, P842fs, P823fs.
Identifiers: ClinVar variation 1949484 (VCV001949484.6), dbSNP rs2482774549, ClinGen allele CA2580074741.
Genomic context (GRCh38, chr6:109,446,247, plus strand): 5'-CGTGGCGGGCCAAGGCGGAGCAGCTGCGGGGAGGCTTGGGTGGAGGCTCCATTTCCGGGT[CAG>C]GGGTAAGGTTAAGGGAGGACAACCGCTGGCGCTCCGGGCTGGAGAGGCGGATCTGCCGAC-3'

ClinVar aggregate classification (germline): Uncertain significance. Review status: criteria provided, multiple submitters, no conflicts (2 of 4 stars). 2 submissions from 2 submitters: Uncertain significance (2). Last evaluated 2024-05-15.

Submissions (2):

Labcorp Genetics (formerly Invitae), Labcorp
Classification: Uncertain significance. Last evaluated: 2024-05-15. Review status: criteria provided, single submitter. Criteria: Invitae Variant Classification Sherloc (09022015). Collection method: clinical testing. Allele origin: germline.
Comment: This sequence change creates a premature translational stop signal (p.Pro842Argfs*54) in the MICAL1 gene. It is expected to result in an absent or disrupted protein product. However, the current clinical and genetic evidence is not sufficient to establish whether loss-of-function variants in MICAL1 cause disease. This variant is not present in population databases (gnomAD no frequency). This variant has not been reported in the literature in individuals affected with MICAL1-related conditions. ClinVar contains an entry for this variant (Variation ID: 1949484). In summary, the available evidence is currently insufficient to determine the role of this variant in disease. Therefore, it has been classified as a Variant of Uncertain Significance.

Blueprint Genetics
Classification: Uncertain significance. Last evaluated: 2022-04-11. Review status: criteria provided, single submitter. Criteria: ACMG Guidelines, 2015. Collection method: clinical testing. Allele origin: germline.